The following is an entry in ClinVar:

NM_032040.5(CCDC8):c.928G>C (p.Asp310His)

Gene: CCDC8 (coiled-coil domain containing 8 subunit of 3M complex; minus strand). Cytogenetic location: 19q13.32.
Variant type: single nucleotide variant.
Coding change: c.928G>C on transcript NM_032040.5 (MANE Select); coding-DNA position 928, G replaced by C.
Protein change: p.Asp310His; replaces aspartic acid 310 with histidine.
Molecular consequence: missense variant.
Genome position (GRCh38, 1-based): chr19:46,411,883, C>G on the plus strand (G>C on the coding strand, the complement: CCDC8 is on the minus strand). VCF-style: chr19-46411883-C-G. GRCh37 (hg19) VCF-style: chr19-46915140-C-G.
Other names: c.928G>C (NM_032040.3); short protein forms D310H.
Identifiers: ClinVar variation 1406084 (VCV001406084.6), dbSNP rs141430616, ClinGen allele CA9528577.
Genomic context (GRCh38, chr19:46,411,883, plus strand): 5'-CTGCCCCCTGGTCAGCTGGGGCCCCTGCCCTCTGATTACCTGCAGCCCCTTCCCGCTGGT[C>G]AGCTATGGCCTCTTCCCTTTGACTATCTGCAGCCTCTCCCCCCTGATCAGCCTCGATGTC-3'
Protein context (NP_114429.2, residues 300-320): ADSQREEAIA[Asp310His]QREGAAGNQR

ClinVar aggregate classification (germline): Uncertain significance. Review status: criteria provided, multiple submitters, no conflicts (2 of 4 stars). 3 submissions from 3 submitters: Uncertain significance (3). Last evaluated 2025-12-09.

Conditions:
Inborn genetic diseases. Identifiers: MedGen C0950123, MeSH D030342.

Allele frequency attached by ClinVar (database versions not stated): gnomAD 0.00013; gnomAD exomes 0.00017; ExAC 0.00018; TOPMed 0.00019; ESP Exome Variant Server 0.00038.

Submissions (3):

Women's Health and Genetics/Laboratory Corporation of America, LabCorp
Classification: Uncertain significance. Last evaluated: 2025-12-09. Review status: criteria provided, single submitter. Criteria: LabCorp Variant Classification Summary - May 2015. Collection method: clinical testing. Allele origin: germline.
Comment: Variant summary: CCDC8 c.928G>C (p.Asp310His) results in a non-conservative amino acid change in the encoded protein sequence. Algorithms developed to predict the effect of missense changes on protein structure and function are either unavailable or do not agree on the potential impact of this missense change. The variant allele was found at a frequency of 0.00017 in 251150 control chromosomes. This frequency is not significantly higher than estimated for disease-causing variants in CCDC8, allowing no conclusion about variant significance. To our knowledge, no occurrence of c.928G>C in individuals affected with CCDC8-related conditions and no experimental evidence demonstrating its impact on protein function have been reported. ClinVar contains an entry for this variant (Variation ID: 1406084). Based on the evidence outlined above, the variant was classified as uncertain significance.

Ambry Genetics
Classification: Uncertain significance for Inborn genetic diseases. Last evaluated: 2025-08-08. Review status: criteria provided, single submitter. Criteria: Ambry Variant Classification Scheme 2023. Collection method: clinical testing. Allele origin: germline.

Labcorp Genetics (formerly Invitae), Labcorp
Classification: Uncertain significance. Last evaluated: 2022-08-09. Review status: criteria provided, single submitter. Criteria: Invitae Variant Classification Sherloc (09022015). Collection method: clinical testing. Allele origin: germline.
Comment: This sequence change replaces aspartic acid, which is acidic and polar, with histidine, which is basic and polar, at codon 310 of the CCDC8 protein (p.Asp310His). This variant is present in population databases (rs141430616, gnomAD 0.03%). This variant has not been reported in the literature in individuals affected with CCDC8-related conditions. ClinVar contains an entry for this variant (Variation ID: 1406084). Algorithms developed to predict the effect of missense changes on protein structure and function are either unavailable or do not agree on the potential impact of this missense change (SIFT: "Tolerated"; PolyPhen-2: "Possibly Damaging"; Align-GVGD: "Class C0"). In summary, the available evidence is currently insufficient to determine the role of this variant in disease. Therefore, it has been classified as a Variant of Uncertain Significance.